The following is an entry in ClinVar:

NM_004329.3(BMPR1A):c.129G>T (p.Lys43Asn)

Gene: BMPR1A (bone morphogenetic protein receptor type 1A; plus strand). Cytogenetic location: 10q23.2.
Variant type: single nucleotide variant.
Coding change: c.129G>T on transcript NM_004329.3 (MANE Select); coding-DNA position 129, G replaced by T.
Protein change: p.Lys43Asn; replaces lysine 43 with asparagine.
Molecular consequence: missense variant.
Genome position (GRCh38, 1-based): chr10:86,890,123, G>T. VCF-style: chr10-86890123-G-T. GRCh37 (hg19) VCF-style: chr10-88649880-G-T.
Other names: short protein forms K43N.
Identifiers: ClinVar variation 859715 (VCV000859715.12), dbSNP rs1843126055, ClinGen allele CA377446567.

ClinVar aggregate classification (germline): Uncertain significance. Review status: criteria provided, multiple submitters, no conflicts (2 of 4 stars). 2 submissions from 2 submitters: Uncertain significance (2). Last evaluated 2025-06-22.

Conditions:
Juvenile polyposis syndrome (JPS). Identifiers: Orphanet 2929, MedGen C0345893, MONDO:0017380, OMIM 174900.
Hereditary cancer-predisposing syndrome. Also called: Hereditary neoplastic syndrome; Tumor predisposition; Neoplastic Syndromes, Hereditary; Hereditary Cancer Syndrome. Identifiers: Orphanet 140162, MedGen C0027672, MeSH D009386, MONDO:0015356.

Submissions (2):

Labcorp Genetics (formerly Invitae), Labcorp
Classification: Uncertain significance for Juvenile polyposis syndrome. Last evaluated: 2025-06-22. Review status: criteria provided, single submitter. Criteria: Invitae Variant Classification Sherloc (09022015). Collection method: clinical testing. Allele origin: germline.
Comment: This sequence change replaces lysine, which is basic and polar, with asparagine, which is neutral and polar, at codon 43 of the BMPR1A protein (p.Lys43Asn). This variant is not present in population databases (gnomAD no frequency). This variant has not been reported in the literature in individuals affected with BMPR1A-related conditions. ClinVar contains an entry for this variant (Variation ID: 859715). Invitae Evidence Modeling incorporating data from in vitro experimental studies (internal data) indicates that this missense variant is not expected to disrupt BMPR1A function with a negative predictive value of 95%. In summary, the available evidence is currently insufficient to determine the role of this variant in disease. Therefore, it has been classified as a Variant of Uncertain Significance.

Ambry Genetics
Classification: Uncertain significance for Hereditary cancer-predisposing syndrome. Last evaluated: 2023-10-13. Review status: criteria provided, single submitter. Criteria: Ambry Variant Classification Scheme 2023. Collection method: clinical testing. Allele origin: germline.
Comment: The p.K43N variant (also known as c.129G>T), located in coding exon 2 of the BMPR1A gene, results from a G to T substitution at nucleotide position 129. The lysine at codon 43 is replaced by asparagine, an amino acid with similar properties. This amino acid position is well conserved in available vertebrate species. In addition, this alteration is predicted to be tolerated by in silico analysis. Since supporting evidence is limited at this time, the clinical significance of this alteration remains unclear.